The following is an entry in ClinVar:

ClinVar aggregate classification (germline): Conflicting classifications of pathogenicity. Review status: criteria provided, conflicting classifications (1 of 4 stars). 2 submissions from 2 submitters: Uncertain significance (1); Benign (1). Last evaluated 2026-01-14.

Allele frequency attached by ClinVar (database versions not stated): ESP Exome Variant Server 0.00277; gnomAD 0.00285; gnomAD exomes 0.00336; ExAC 0.00345; TOPMed 0.00360; 1000 Genomes Project 0.00240; 1000 Genomes Project 30x 0.00250.
gnomAD v4.1: 5,361 of 1,613,848 alleles (0.33%); highest among the groups gnomAD compares: Admixed American, 0.47%; 15 homozygotes.

Submissions (21):

Labcorp Genetics (formerly Invitae), Labcorp
Classification: Benign. Last evaluated: 2026-01-14. Review status: criteria provided, single submitter. Criteria: Invitae Variant Classification Sherloc (09022015). Collection method: clinical testing. Allele origin: germline.

Mayo Clinic Laboratories, Mayo Clinic
Classification: Uncertain significance. Last evaluated: 2024-04-16. Review status: criteria provided, single submitter. Criteria: ACMG Guidelines, 2015. Collection method: clinical testing. Allele origin: germline. Observed: 1 variant allele.
Comment: PP3

Dr. Peter K. Rogan Lab, Western University
No classification provided (evidence only). Condition: Lung cancer. Review status: no classification provided. Collection method: in vitro. Allele origin: not applicable. Functional consequence: retained intron. Not counted in ClinVar's aggregate classification.

Dr. Peter K. Rogan Lab, Western University
No classification provided (evidence only). Condition: Lung cancer. Review status: no classification provided. Collection method: in vitro. Allele origin: not applicable. Functional consequence: retained intron. Not counted in ClinVar's aggregate classification.

Dr. Peter K. Rogan Lab, Western University
No classification provided (evidence only). Condition: Familial cancer of breast. Review status: no classification provided. Collection method: in vitro. Allele origin: not applicable. Functional consequence: retained intron. Not counted in ClinVar's aggregate classification.

Dr. Peter K. Rogan Lab, Western University
No classification provided (evidence only). Condition: Familial cancer of breast. Review status: no classification provided. Collection method: in vitro. Allele origin: not applicable. Functional consequence: retained intron. Not counted in ClinVar's aggregate classification.

Dr. Peter K. Rogan Lab, Western University
No classification provided (evidence only). Condition: Familial cancer of breast. Review status: no classification provided. Collection method: in vitro. Allele origin: not applicable. Functional consequence: retained intron. Not counted in ClinVar's aggregate classification.

Dr. Peter K. Rogan Lab, Western University
No classification provided (evidence only). Condition: Familial cancer of breast. Review status: no classification provided. Collection method: in vitro. Allele origin: not applicable. Functional consequence: retained intron. Not counted in ClinVar's aggregate classification.

Dr. Peter K. Rogan Lab, Western University
No classification provided (evidence only). Condition: Familial cancer of breast. Review status: no classification provided. Collection method: in vitro. Allele origin: not applicable. Functional consequence: retained intron. Not counted in ClinVar's aggregate classification.

Dr. Peter K. Rogan Lab, Western University
No classification provided (evidence only). Condition: Familial cancer of breast. Review status: no classification provided. Collection method: in vitro. Allele origin: not applicable. Functional consequence: retained intron. Not counted in ClinVar's aggregate classification.

Dr. Peter K. Rogan Lab, Western University
No classification provided (evidence only). Condition: Familial cancer of breast. Review status: no classification provided. Collection method: in vitro. Allele origin: not applicable. Functional consequence: retained intron. Not counted in ClinVar's aggregate classification.

Dr. Peter K. Rogan Lab, Western University
No classification provided (evidence only). Condition: Familial cancer of breast. Review status: no classification provided. Collection method: in vitro. Allele origin: not applicable. Functional consequence: retained intron. Not counted in ClinVar's aggregate classification.

Dr. Peter K. Rogan Lab, Western University
No classification provided (evidence only). Condition: Cervical cancer. Review status: no classification provided. Collection method: in vitro. Allele origin: not applicable. Functional consequence: retained intron. Not counted in ClinVar's aggregate classification.

Dr. Peter K. Rogan Lab, Western University
No classification provided (evidence only). Condition: Sarcoma. Review status: no classification provided. Collection method: in vitro. Allele origin: not applicable. Functional consequence: retained intron. Not counted in ClinVar's aggregate classification.

Dr. Peter K. Rogan Lab, Western University
No classification provided (evidence only). Condition: Ovarian serous cystadenocarcinoma. Review status: no classification provided. Collection method: in vitro. Allele origin: not applicable. Functional consequence: retained intron. Not counted in ClinVar's aggregate classification.

Dr. Peter K. Rogan Lab, Western University
No classification provided (evidence only). Condition: Ovarian serous cystadenocarcinoma. Review status: no classification provided. Collection method: in vitro. Allele origin: not applicable. Functional consequence: retained intron. Not counted in ClinVar's aggregate classification.

Dr. Peter K. Rogan Lab, Western University
No classification provided (evidence only). Condition: Ovarian serous cystadenocarcinoma. Review status: no classification provided. Collection method: in vitro. Allele origin: not applicable. Functional consequence: retained intron. Not counted in ClinVar's aggregate classification.

Dr. Peter K. Rogan Lab, Western University
No classification provided (evidence only). Condition: Gastric cancer. Review status: no classification provided. Collection method: in vitro. Allele origin: not applicable. Functional consequence: retained intron. Not counted in ClinVar's aggregate classification.

Dr. Peter K. Rogan Lab, Western University
No classification provided (evidence only). Condition: Uveal melanoma. Review status: no classification provided. Collection method: in vitro. Allele origin: not applicable. Functional consequence: retained intron. Not counted in ClinVar's aggregate classification.

Dr. Peter K. Rogan Lab, Western University
No classification provided (evidence only). Condition: Uveal melanoma. Review status: no classification provided. Collection method: in vitro. Allele origin: not applicable. Functional consequence: retained intron. Not counted in ClinVar's aggregate classification.

Dr. Peter K. Rogan Lab, Western University
No classification provided (evidence only). Condition: Malignant tumor of esophagus. Review status: no classification provided. Collection method: in vitro. Allele origin: not applicable. Functional consequence: retained intron. Not counted in ClinVar's aggregate classification.

NM_012254.3(SLC27A5):c.1377+11G>A

Gene: SLC27A5 (solute carrier family 27 member 5; minus strand). Cytogenetic location: 19q13.43.
Variant type: single nucleotide variant.
Coding change: c.1377+11G>A on transcript NM_012254.3 (MANE Select); 11 bases into the intron after coding-DNA position 1377, G replaced by A.
Molecular consequence: intron variant.
Genome position (GRCh38, 1-based): chr19:58,500,501, C>T on the plus strand (G>A on the coding strand, the complement: SLC27A5 is on the minus strand). VCF-style: chr19-58500501-C-T. GRCh37 (hg19) VCF-style: chr19-59011868-C-T.
Other names: p.?; c.1125+11G>A (NM_001321196.2).
Identifiers: ClinVar variation 1987212 (VCV001987212.6), dbSNP rs200252519, ClinGen allele CA9718011.